The following is an entry in ClinVar:

ClinVar aggregate classification (germline): Uncertain significance (1 of 4 stars; one submission).

Conditions:
Charcot-Marie-Tooth disease type 4. Also called: Charcot-Marie-Tooth disease, type IV; Charcot-Marie-Tooth, Type 4. Identifiers: Orphanet 64749, MedGen C4082197, MONDO:0018995.

Submission:

Labcorp Genetics (formerly Invitae), Labcorp
Classification: Uncertain significance for Charcot-Marie-Tooth disease type 4. Last evaluated: 2022-05-29. Review status: criteria provided, single submitter. Criteria: Invitae Variant Classification Sherloc (09022015). Collection method: clinical testing. Allele origin: germline.
Comment: This variant has not been reported in the literature in individuals affected with SH3TC2-related conditions. Advanced modeling of protein sequence and biophysical properties (such as structural, functional, and spatial information, amino acid conservation, physicochemical variation, residue mobility, and thermodynamic stability) performed at Invitae indicates that this missense variant is not expected to disrupt SH3TC2 protein function. In summary, the available evidence is currently insufficient to determine the role of this variant in disease. Therefore, it has been classified as a Variant of Uncertain Significance. This variant is not present in population databases (gnomAD no frequency). This sequence change replaces glutamine, which is neutral and polar, with glutamic acid, which is acidic and polar, at codon 1223 of the SH3TC2 protein (p.Gln1223Glu).

NM_024577.4(SH3TC2):c.3667C>G (p.Gln1223Glu)

Gene: SH3TC2 (SH3 domain and tetratricopeptide repeats 2; minus strand). Cytogenetic location: 5q32.
Variant type: single nucleotide variant.
Coding change: c.3667C>G on transcript NM_024577.4 (MANE Select); coding-DNA position 3667, C replaced by G.
Protein change: p.Gln1223Glu; replaces glutamine 1223 with glutamic acid.
Molecular consequence: missense variant.
Genome position (GRCh38, 1-based): chr5:149,006,889, G>C on the plus strand (C>G on the coding strand, the complement: SH3TC2 is on the minus strand). VCF-style: chr5-149006889-G-C. GRCh37 (hg19) VCF-style: chr5-148386452-G-C.
Other names: short protein forms Q1223E.
Identifiers: ClinVar variation 2195260 (VCV002195260.4), dbSNP rs2531742612, ClinGen allele CA361663895.